The following is an entry in ClinVar:

ClinVar aggregate classification (germline): Uncertain significance. Review status: criteria provided, multiple submitters, no conflicts (2 of 4 stars). 3 submissions from 3 submitters: Uncertain significance (3). Last evaluated 2025-12-15.

Conditions:
Nemaline myopathy 10 (NEM10). Identifiers: MedGen C4015360, MONDO:0014513, OMIM 616165.
Inborn genetic diseases. Identifiers: MedGen C0950123, MeSH D030342.

Allele frequency attached by ClinVar (database versions not stated): gnomAD exomes 0.00001 and 0.00002; ExAC 0.00004; ESP Exome Variant Server 0.00008; TOPMed 0.00010; gnomAD 0.00013 and 0.00014; 1000 Genomes Project 30x 0.00078; 1000 Genomes Project 0.00080.

Submissions (3):

Ambry Genetics
Classification: Uncertain significance for Inborn genetic diseases. Last evaluated: 2025-12-15. Review status: criteria provided, single submitter. Criteria: Ambry Variant Classification Scheme 2023. Collection method: clinical testing. Allele origin: germline.

Labcorp Genetics (formerly Invitae), Labcorp
Classification: Uncertain significance for Nemaline myopathy 10. Last evaluated: 2022-08-31. Review status: criteria provided, single submitter. Criteria: Invitae Variant Classification Sherloc (09022015). Collection method: clinical testing. Allele origin: germline.
Comment: This sequence change replaces proline, which is neutral and non-polar, with serine, which is neutral and polar, at codon 526 of the LMOD3 protein (p.Pro526Ser). This variant is present in population databases (rs201771939, gnomAD 0.04%). This variant has not been reported in the literature in individuals affected with LMOD3-related conditions. ClinVar contains an entry for this variant (Variation ID: 573278). Algorithms developed to predict the effect of missense changes on protein structure and function are either unavailable or do not agree on the potential impact of this missense change (SIFT: "Tolerated"; PolyPhen-2: "Possibly Damaging"; Align-GVGD: "Class C0"). Algorithms developed to predict the effect of sequence changes on RNA splicing suggest that this variant may create or strengthen a splice site. In summary, the available evidence is currently insufficient to determine the role of this variant in disease. Therefore, it has been classified as a Variant of Uncertain Significance.

Breakthrough Genomics
Classification: Uncertain significance. Review status: criteria provided, single submitter. Criteria: ACMG Guidelines, 2015. Collection method: not provided. Allele origin: germline. Inheritance: Autosomal recessive inheritance. Affected: yes.

NM_198271.5(LMOD3):c.1576C>T (p.Pro526Ser)

Gene: LMOD3 (leiomodin 3; minus strand). Cytogenetic location: 3p14.1.
Variant type: single nucleotide variant.
Coding change: c.1576C>T on transcript NM_198271.5 (MANE Select); coding-DNA position 1576, C replaced by T.
Protein change: p.Pro526Ser; replaces proline 526 with serine.
Molecular consequence: missense variant.
Genome position (GRCh38, 1-based): chr3:69,118,779, G>A on the plus strand (C>T on the coding strand, the complement: LMOD3 is on the minus strand). VCF-style: chr3-69118779-G-A. GRCh37 (hg19) VCF-style: chr3-69167930-G-A.
Other names: c.1576C>T, p.Pro526Ser (NM_001304418.3); c.1576C>T (NM_198271.3); short protein forms P526S.
Identifiers: ClinVar variation 573278 (VCV000573278.5), dbSNP rs201771939, ClinGen allele CA2488732.
Genomic context (GRCh38, chr3:69,118,779, plus strand): 5'-TGCTGTGACGAATGTCGTTTAGCAGCTGATCTCTGGGAGTGATTTCCACCAATGGGGGTG[G>A]CCTGTTTCTCGGCACTGGCTTGAGCGTTTTGATGACATCTTTGAGGTTGGTTTTCTCGGG-3'
Protein context (NP_938012.2, residues 516-536): KTLKPVPRNR[Pro526Ser]PPLVEITPRD